The following is an entry in ClinVar:

NM_000051.4(ATM):c.1805A>G (p.Asn602Ser)

Gene: ATM (ATM serine/threonine kinase; plus strand). Cytogenetic location: 11q22.3.
Variant type: single nucleotide variant.
Coding change: c.1805A>G on transcript NM_000051.4 (MANE Select); coding-DNA position 1805, A replaced by G.
Protein change: p.Asn602Ser; replaces asparagine 602 with serine.
Molecular consequence: missense variant.
Genome position (GRCh38, 1-based): chr11:108,252,819, A>G. VCF-style: chr11-108252819-A-G. GRCh37 (hg19) VCF-style: chr11-108123546-A-G.
Other names: c.1805A>G, p.Asn602Ser (NM_001351834.2); short protein forms N602S.
Identifiers: ClinVar variation 490440 (VCV000490440.15), dbSNP rs1173305253, ClinGen allele CA382535687.

ClinVar aggregate classification (germline): Conflicting classifications of pathogenicity. Review status: criteria provided, conflicting classifications (1 of 4 stars). 3 submissions from 3 submitters: Uncertain significance (2); Likely benign (1). Last evaluated 2025-07-29.

Conditions:
Hereditary cancer-predisposing syndrome. Also called: Tumor predisposition; Neoplastic Syndromes, Hereditary; Hereditary Cancer Syndrome; Hereditary neoplastic syndrome. Identifiers: Orphanet 140162, MedGen C0027672, MeSH D009386, MONDO:0015356.
Ataxia-telangiectasia syndrome (AT). Also called: Ataxia-telangiectasia; Ataxia-telangiectasia, complementation group D; AT, COMPLEMENTATION GROUP C; LOUIS-BAR SYNDROME; Cerebello-oculocutaneous telangiectasia; Immunodeficiency with ataxia telangiectasia. Identifiers: Orphanet 100, MedGen C0004135, MONDO:0008840, OMIM 208900.

Allele frequency attached by ClinVar (database versions not stated): gnomAD 0.00001; gnomAD exomes 0.00001.
gnomAD v4.1: 4 of 1,605,148 alleles (0.00025%); highest among the groups gnomAD compares: African/African-American, 0.004%; no homozygotes.

Submissions (3):

Ambry Genetics
Classification: Likely benign for Hereditary cancer-predisposing syndrome. Last evaluated: 2025-07-29. Review status: criteria provided, single submitter. Criteria: Ambry Variant Classification Scheme 2023. Collection method: clinical testing. Allele origin: germline.

Labcorp Genetics (formerly Invitae), Labcorp
Classification: Uncertain significance for Ataxia-telangiectasia syndrome. Last evaluated: 2025-06-22. Review status: criteria provided, single submitter. Criteria: Invitae Variant Classification Sherloc (09022015). Collection method: clinical testing. Allele origin: germline.
Comment: This sequence change replaces asparagine, which is neutral and polar, with serine, which is neutral and polar, at codon 602 of the ATM protein (p.Asn602Ser). This variant is present in population databases (no rsID available, gnomAD 0.007%). This variant has not been reported in the literature in individuals affected with ATM-related conditions. ClinVar contains an entry for this variant (Variation ID: 490440). An algorithm developed to predict the effect of missense changes on protein structure and function (PolyPhen-2) suggests that this variant is likely to be tolerated. RNA analysis performed to evaluate the impact of this missense change on mRNA splicing indicates it does not significantly alter splicing (internal data). In summary, the available evidence is currently insufficient to determine the role of this variant in disease. Therefore, it has been classified as a Variant of Uncertain Significance.

Color Diagnostics, LLC DBA Color Health
Classification: Uncertain significance for Hereditary cancer-predisposing syndrome. Last evaluated: 2019-05-07. Review status: criteria provided, single submitter. Criteria: ACMG Guidelines, 2015. Collection method: clinical testing. Allele origin: germline.